The following is an entry in ClinVar:

ClinVar aggregate classification (germline): Uncertain significance. Review status: criteria provided, multiple submitters, no conflicts (2 of 4 stars). 2 submissions from 2 submitters: Uncertain significance (2). Last evaluated 2021-10-02.

Conditions:
Hereditary cancer-predisposing syndrome. Also called: Neoplastic Syndromes, Hereditary; Tumor predisposition; Hereditary Cancer Syndrome; Hereditary neoplastic syndrome. Identifiers: Orphanet 140162, MedGen C0027672, MeSH D009386, MONDO:0015356.

Submissions (2):

Labcorp Genetics (formerly Invitae), Labcorp
Classification: Uncertain significance for Hereditary cancer-predisposing syndrome. Last evaluated: 2021-10-02. Review status: criteria provided, single submitter. Criteria: Invitae Variant Classification Sherloc (09022015). Collection method: clinical testing. Allele origin: germline.
Comment: This variant has not been reported in the literature in individuals affected with RAD50-related conditions. This variant is not present in population databases (ExAC no frequency). This sequence change replaces serine with phenylalanine at codon 703 of the RAD50 protein (p.Ser703Phe). The serine residue is moderately conserved and there is a large physicochemical difference between serine and phenylalanine. ClinVar contains an entry for this variant (Variation ID: 231826). Algorithms developed to predict the effect of missense changes on protein structure and function are either unavailable or do not agree on the potential impact of this missense change (SIFT: "Deleterious"; PolyPhen-2: "Possibly Damaging"; Align-GVGD: "Class C0"). In summary, the available evidence is currently insufficient to determine the role of this variant in disease. Therefore, it has been classified as a Variant of Uncertain Significance.

Ambry Genetics
Classification: Uncertain significance for Hereditary cancer-predisposing syndrome. Last evaluated: 2015-05-13. Review status: criteria provided, single submitter. Criteria: Ambry Variant Classification Scheme 2023. Collection method: clinical testing. Allele origin: germline.
Comment: The p.S703F variant (also known as c.2108C>T), located in coding exon 13 of the RAD50 gene, results from a C to T substitution at nucleotide position 2108. The serine at codon 703 is replaced by phenylalanine, an amino acid with highly dissimilar properties. This variant was not reported in population based cohorts in the following databases: Database of Single Nucleotide Polymorphisms (dbSNP), NHLBI Exome Sequencing Project (ESP), and 1000 Genomes Project. In the ESP, this variant was not observed in 6503 samples (13006 alleles) with coverage at this position. To date, this alteration has been detected with an allele frequency of approximately 0.002% (greater than 120000 alleles tested) in our clinical cohort. This amino acid position is well conserved in available vertebrate species. In addition, the in silico prediction for this alteration is inconclusive. Since supporting evidence is limited at this time, the clinical significance of this variant remains unclear.

NM_005732.4(RAD50):c.2108C>T (p.Ser703Phe)

Gene: RAD50 (RAD50 double strand break repair protein; plus strand). Cytogenetic location: 5q31.1.
Variant type: single nucleotide variant.
Coding change: c.2108C>T on transcript NM_005732.4 (MANE Select); coding-DNA position 2108, C replaced by T.
Protein change: p.Ser703Phe; replaces serine 703 with phenylalanine.
Molecular consequence: missense variant.
Genome position (GRCh38, 1-based): chr5:132,595,711, C>T. VCF-style: chr5-132595711-C-T. GRCh37 (hg19) VCF-style: chr5-131931403-C-T.
Other names: short protein forms S703F.
Identifiers: ClinVar variation 231826 (VCV000231826.11), dbSNP rs769143998, ClinGen allele CA10578551.